The following is an entry in ClinVar:

NM_000368.5(TSC1):c.444A>G (p.Lys148=)

Gene: TSC1 (TSC complex subunit 1; minus strand). Cytogenetic location: 9q34.13.
Variant type: single nucleotide variant.
Coding change: c.444A>G on transcript NM_000368.5 (MANE Select); coding-DNA position 444, A replaced by G.
Protein change: p.Lys148=; no amino-acid change (lysine 148 retained).
Molecular consequence: synonymous variant.
Genome position (GRCh38, 1-based): chr9:132,923,412, T>C on the plus strand (A>G on the coding strand, the complement: TSC1 is on the minus strand). VCF-style: chr9-132923412-T-C. GRCh37 (hg19) VCF-style: chr9-135798799-T-C.
Other names: c.444A>G, p.Lys148= (NM_001162426.2); c.291A>G, p.Lys97= (NM_001162427.2); c.81A>G, p.Lys27= (NM_001362177.2).
Identifiers: ClinVar variation 1321419 (VCV001321419.29), dbSNP rs2132189552, ClinGen allele CA467593966.

ClinVar aggregate classification (germline): Benign/Likely benign. Review status: criteria provided, multiple submitters, no conflicts (2 of 4 stars). 7 submissions from 7 submitters: Benign (1); Likely benign (6). Last evaluated 2025-05-05.

Conditions:
Tuberous sclerosis syndrome (TSC). Also called: Tuberous Sclerosis Complex; Tuberous sclerosis. Identifiers: Orphanet 805, MedGen C0041341, MONDO:0001734.
Tuberous sclerosis 1 (TSC1). Identifiers: Orphanet 805, MedGen C1854465, MONDO:0008612, OMIM 191100.
Hereditary cancer-predisposing syndrome. Also called: Hereditary Cancer Syndrome; Tumor predisposition; Neoplastic Syndromes, Hereditary; Hereditary neoplastic syndrome. Identifiers: Orphanet 140162, MedGen C0027672, MeSH D009386, MONDO:0015356.

Allele frequency attached by ClinVar (database versions not stated): gnomAD exomes below 0.00001.
gnomAD v4.1: 3 of 1,614,158 alleles (0.00019%); highest among the groups gnomAD compares: Middle Eastern, 0.016%; no homozygotes.

Submissions (7):

Labcorp Genetics (formerly Invitae), Labcorp
Classification: Likely benign for Tuberous sclerosis 1. Last evaluated: 2025-05-05. Review status: criteria provided, single submitter. Criteria: Invitae Variant Classification Sherloc (09022015). Collection method: clinical testing. Allele origin: germline.

Myriad Genetics, Inc.
Classification: Benign for Tuberous sclerosis 1. Last evaluated: 2025-04-08. Review status: criteria provided, single submitter. Criteria: Myriad Autosomal Dominant, Autosomal Recessive and X-Linked Classification Criteria (2023). Collection method: clinical testing. Allele origin: unknown.
Comment: This variant is considered benign. This variant is a silent/synonymous amino acid change and it is not expected to impact splicing.

CeGaT Center for Human Genetics Tuebingen
Classification: Likely benign. Last evaluated: 2024-08-01. Review status: criteria provided, single submitter. Criteria: CeGaT Center For Human Genetics Tuebingen Variant Classification Criteria Version 2. Collection method: clinical testing. Allele origin: germline. Affected: yes. Observed: 1 variant allele.
Comment: TSC1: BP4, BP7

All of Us Research Program, National Institutes of Health
Classification: Likely benign for Tuberous sclerosis syndrome. Last evaluated: 2023-11-30. Review status: criteria provided, single submitter. Criteria: ACMG Guidelines, 2015. Collection method: clinical testing. Allele origin: germline. Inheritance: Autosomal dominant inheritance. Observed: 3 variant alleles, 3 heterozygotes.
Comment: This study involves interpretation of variants in research participants for the purpose of population health screening. Participant phenotype was not available at the time of variant classification. Additional details can be found in publication PMID: 35346344, PMCID: PMC8962531

Color Diagnostics, LLC DBA Color Health
Classification: Likely benign for Tuberous sclerosis syndrome. Last evaluated: 2022-05-18. Review status: criteria provided, single submitter. Criteria: ACMG Guidelines, 2015. Collection method: clinical testing. Allele origin: germline.

Women's Health and Genetics/Laboratory Corporation of America, LabCorp
Classification: Likely benign. Last evaluated: 2021-10-25. Review status: criteria provided, single submitter. Criteria: LabCorp Variant Classification Summary - May 2015. Collection method: clinical testing. Allele origin: germline.

Ambry Genetics
Classification: Likely benign for Hereditary cancer-predisposing syndrome. Last evaluated: 2021-05-24. Review status: criteria provided, single submitter. Criteria: Ambry Variant Classification Scheme 2023. Collection method: clinical testing. Allele origin: germline.